The following is an entry in ClinVar:

ClinVar aggregate classification (germline): Conflicting classifications of pathogenicity. Review status: criteria provided, conflicting classifications (1 of 4 stars). 4 submissions from 4 submitters: Uncertain significance (1); Likely benign (3). Last evaluated 2024-07-25.

Conditions:
Microphthalmia, syndromic 9. Also called: Matthew-Wood syndrome; PULMONARY AGENESIS, MICROPHTHALMIA, AND DIAPHRAGMATIC DEFECT; SPEAR SYNDROME; ANOPHTHALMIA, CLINICAL, WITH MILD FACIAL DYSMORPHISM AND VARIABLE MALFORMATIONS OF THE LUNG, HEART, AND DIAPHRAGM; ANOPHTHALMIA/MICROPHTHALMIA AND PULMONARY HYPOPLASIA. Identifiers: Orphanet 2470, MedGen C1832661, MONDO:0011010, OMIM 601186.

Allele frequency attached by ClinVar (database versions not stated): gnomAD 0.00007 and 0.00009; TOPMed 0.00013; gnomAD exomes 0.00015; 1000 Genomes Project 30x 0.00016; ExAC 0.00018; 1000 Genomes Project 0.00020; ESP Exome Variant Server 0.00023.
gnomAD v4.1: 207 of 1,614,016 alleles (0.013%); highest among the groups gnomAD compares: Middle Eastern, 0.05%; 1 homozygote.

Submissions (4):

Blueprint Genetics
Classification: Likely benign. Last evaluated: 2024-07-25. Review status: criteria provided, single submitter. Criteria: ACMG Guidelines, 2015. Collection method: clinical testing. Allele origin: germline.

CeGaT Center for Human Genetics Tuebingen
Classification: Likely benign. Last evaluated: 2024-02-01. Review status: criteria provided, single submitter. Criteria: CeGaT Center For Human Genetics Tuebingen Variant Classification Criteria Version 2. Collection method: clinical testing. Allele origin: germline. Affected: yes. Observed: 1 variant allele.
Comment: STRA6: BP4, BP7

Labcorp Genetics (formerly Invitae), Labcorp
Classification: Likely benign for Microphthalmia, syndromic 9. Last evaluated: 2021-09-29. Review status: criteria provided, single submitter. Criteria: Invitae Variant Classification Sherloc (09022015). Collection method: clinical testing. Allele origin: germline.

Illumina Laboratory Services, Illumina
Classification: Uncertain significance for Microphthalmia, syndromic 9. Last evaluated: 2018-01-13. Review status: criteria provided, single submitter. Criteria: ICSL Variant Classification Criteria 13 December 2019. Collection method: clinical testing. Allele origin: germline.

NM_022369.4(STRA6):c.366C>T (p.Asp122=)

Gene: STRA6 (signaling receptor and transporter of retinol STRA6; minus strand). Cytogenetic location: 15q24.1.
Variant type: single nucleotide variant.
Coding change: c.366C>T on transcript NM_022369.4 (MANE Select); coding-DNA position 366, C replaced by T.
Protein change: p.Asp122=; no amino-acid change (aspartic acid 122 retained).
Molecular consequence: synonymous variant.
Genome position (GRCh38, 1-based): chr15:74,196,048, G>A on the plus strand (C>T on the coding strand, the complement: STRA6 is on the minus strand). VCF-style: chr15-74196048-G-A. GRCh37 (hg19) VCF-style: chr15-74488389-G-A.
Other names: c.366C>T, p.Asp122= (NM_001142617.2, NM_001142618.2, NM_001142620.2); c.339C>T, p.Asp113= (NM_001142619.2); c.477C>T, p.Asp159= (NM_001199040.2); c.411C>T, p.Asp137= (NM_001199041.2); c.483C>T, p.Asp161= (NM_001199042.2).
Identifiers: ClinVar variation 317116 (VCV000317116.35), dbSNP rs147428518, ClinGen allele CA7655020.